The following is an entry in ClinVar:

NM_006494.4(ERF):c.679dup (p.His227fs)

Gene: ERF (ETS2 repressor factor; minus strand). Cytogenetic location: 19q13.2.
Variant type: Duplication.
Coding change: c.679dup on transcript NM_006494.4 (MANE Select); coding-DNA position 679, one base duplicated (C; older notation c.679dupC).
Protein change: p.His227fs; shifts the reading frame from histidine 227.
Molecular consequence: frameshift variant. On other transcripts: 5 prime UTR variant (1).
Genome position (GRCh38, 1-based): chr19:42,249,433, G duplicated on the plus strand (C on the coding strand, the reverse complement: ERF is on the minus strand); the first of 4 consecutive G bases (chr19:42,249,433-42,249,436); duplicating any one gives the same sequence. VCF-style (leftmost placement, unchanged base first): chr19-42249432-T-TG. GRCh37 (hg19) VCF-style: chr19-42753584-T-TG.
Other names: c.454dup, p.His152fs (NM_001301035.2, NM_001308402.2, NM_001312656.2 and 1 more transcripts); c.-129dup (NM_001440421.1); short protein forms H227fs, H152fs.
Identifiers: ClinVar variation 4618797 (VCV004618797.1).

ClinVar aggregate classification (germline): Pathogenic (1 of 4 stars; one submission).

Conditions:
Inborn genetic diseases. Identifiers: MedGen C0950123, MeSH D030342.

Submission:

Ambry Genetics
Classification: Pathogenic for Inborn genetic diseases. Last evaluated: 2025-10-20. Review status: criteria provided, single submitter. Criteria: Ambry Variant Classification Scheme 2023. Collection method: clinical testing. Allele origin: germline.
Comment: The c.679dupC (p.H227Pfs*2) alteration, located in exon 4 (coding exon 4) of the ERF gene, consists of a duplication of C at position 679, causing a translational frameshift with a predicted alternate stop codon after 2 amino acids. This variant is not expected to trigger nonsense-mediated mRNA decay, and impacts the last 58.8% of the protein. However, premature stop codons are typically deleterious in nature, the impacted region is critical for protein function, and a significant portion of the protein is affected (Ambry internal data). This variant was not reported in population-based cohorts in the Genome Aggregation Database (gnomAD). Based on the available evidence, this alteration is classified as pathogenic.